The following is an entry in ClinVar:

ClinVar aggregate classification (germline): Likely benign (1 of 4 stars; one submission).

Conditions:
Insulin-dependent diabetes mellitus secretory diarrhea syndrome (IPEX). Also called: Immunodeficiency, Polyendocrinopathy, and Enteropathy X-Linked Syndrome; X-Linked Syndrome of Polyendocrinopathy, Immune Dysfunction, and Diarrhea; IMMUNODEFICIENCY, POLYENDOCRINOPATHY, AND ENTEROPATHY, X-LINKED; Immune dysregulation-polyendocrinopathy-enteropathy-X-linked syndrome; Immunodysregulation, polyendocrinopathy, and enteropathy, X-linked; IPEX and IPEX-Like. Identifiers: Orphanet 37042, MedGen C0342288, MONDO:0010580, OMIM 304790. Disease mechanism: loss of function.

gnomAD v4.1: 4 of 1,211,092 alleles (0.00033%); highest among the groups gnomAD compares: South Asian, 0.007%; no homozygotes.

Submission:

Centre for Medical Genetics,  Mumbai
Classification: Likely benign for Insulin-dependent diabetes mellitus secretory diarrhea syndrome. Last evaluated: 2026-02-21. Review status: criteria provided, single submitter. Criteria: ACMG Guidelines, 2015. Collection method: provider interpretation. Allele origin: germline. Inheritance: X-linked recessive inheritance. Affected: no. Observed: 1 homozygote.
Comment: The variant satisfies PM2 criteria; Extremely low frequency in gnomAD population databases. However, the variant satisfies BS2 criteria.

Literature cited by the submitters: PubMed 11120765.

NM_014009.4(FOXP3):c.1254C>G (p.Ser418Arg)

Gene: FOXP3 (forkhead box P3; minus strand). Cytogenetic location: Xp11.23.
Variant type: single nucleotide variant.
Coding change: c.1254C>G on transcript NM_014009.4 (MANE Select); coding-DNA position 1254, C replaced by G.
Protein change: p.Ser418Arg; replaces serine 418 with arginine.
Molecular consequence: missense variant.
Genome position (GRCh38, 1-based): chrX:49,251,376, G>C on the plus strand (C>G on the coding strand, the complement: FOXP3 is on the minus strand). VCF-style: chrX-49251376-G-C. GRCh37 (hg19) VCF-style: chrX-49107837-G-C.
Other names: c.1149C>G, p.Ser383Arg (NM_001114377.2); short protein forms S383R, S418R.
Identifiers: ClinVar variation 4796740 (VCV004796740.1).